The following is an entry in ClinVar:

ClinVar aggregate classification (germline): Benign/Likely benign. Review status: criteria provided, multiple submitters, no conflicts (2 of 4 stars). 4 submissions from 4 submitters: Benign (2); Likely benign (1). 1 of the submissions does not count toward it. Last evaluated 2024-12-31.

Conditions:
CLTCL1-related disorder. Also called: CLTCL1-related condition.

Allele frequency attached by ClinVar (database versions not stated): gnomAD exomes 0.00156 and 0.00063; ExAC 0.00172; gnomAD 0.00513 and 0.00553; 1000 Genomes Project 30x 0.00390; ESP Exome Variant Server 0.00429; 1000 Genomes Project 0.00439; TOPMed 0.00618.
gnomAD v4.1: 1,784 of 1,613,934 alleles (0.11%); highest among the groups gnomAD compares: African/African-American, 1.7%; 11 homozygotes.

Submissions (4):

Mayo Clinic Laboratories, Mayo Clinic
Classification: Likely benign. Last evaluated: 2024-12-31. Review status: criteria provided, single submitter. Criteria: ACMG Guidelines, 2015. Collection method: clinical testing. Allele origin: germline. Observed: 4 variant alleles.
Comment: BS1, BP4, BP7

Labcorp Genetics (formerly Invitae), Labcorp
Classification: Benign. Last evaluated: 2019-12-31. Review status: criteria provided, single submitter. Criteria: Invitae Variant Classification Sherloc (09022015). Collection method: clinical testing. Allele origin: germline.

Breakthrough Genomics
Classification: Benign. Review status: criteria provided, single submitter. Criteria: ACMG Guidelines, 2015. Collection method: not provided. Allele origin: germline. Inheritance: Unknown mechanism. Affected: yes.

PreventionGenetics, part of Exact Sciences
Classification: Benign for CLTCL1-related condition. Last evaluated: 2019-02-20. Review status: no assertion criteria provided. Collection method: clinical testing. Allele origin: germline. Not counted in ClinVar's aggregate classification.
Comment: This variant is classified as benign based on ACMG/AMP sequence variant interpretation guidelines (Richards et al. 2015 PMID: 25741868, with internal and published modifications).

NM_007098.4(CLTCL1):c.1578G>A (p.Pro526=)

Gene: CLTCL1 (clathrin heavy chain like 1; minus strand). Cytogenetic location: 22q11.21.
Variant type: single nucleotide variant.
Coding change: c.1578G>A on transcript NM_007098.4 (MANE Select); coding-DNA position 1578, G replaced by A.
Protein change: p.Pro526=; no amino-acid change (proline 526 retained).
Molecular consequence: synonymous variant.
Genome position (GRCh38, 1-based): chr22:19,232,542, C>T on the plus strand (G>A on the coding strand, the complement: CLTCL1 is on the minus strand). VCF-style: chr22-19232542-C-T. GRCh37 (hg19) VCF-style: chr22-19220065-C-T.
Other names: p.Pro526=; c.1578G>A, p.Pro526= (NM_001835.4).
Identifiers: ClinVar variation 716366 (VCV000716366.8), dbSNP rs148315445, ClinGen allele CA10098627.